The following is an entry in ClinVar:

NM_004595.5(SMS):c.661-5C>T

Gene: SMS (spermine synthase; plus strand). Cytogenetic location: Xp22.11.
Variant type: single nucleotide variant.
Coding change: c.661-5C>T on transcript NM_004595.5 (MANE Select); 5 bases into the intron before coding-DNA position 661, C replaced by T.
Molecular consequence: intron variant.
Genome position (GRCh38, 1-based): chrX:21,978,872, C>T. VCF-style: chrX-21978872-C-T. GRCh37 (hg19) VCF-style: chrX-21996990-C-T.
Other names: c.502-5C>T (NM_001258423.2).
Identifiers: ClinVar variation 198517 (VCV000198517.16), dbSNP rs371972467, ClinGen allele CA247201.

ClinVar aggregate classification (germline): Conflicting classifications of pathogenicity. Review status: criteria provided, conflicting classifications (1 of 4 stars). 4 submissions from 4 submitters: Uncertain significance (1); Benign (1); Likely benign (2). Last evaluated 2026-09-01.

Conditions:
Inborn genetic diseases. Identifiers: MedGen C0950123, MeSH D030342.

Allele frequency attached by ClinVar (database versions not stated): ESP Exome Variant Server 0.00009; TOPMed 0.00011; gnomAD 0.00014.
gnomAD v4.1: 93 of 1,184,766 alleles (0.0078%); highest among the groups gnomAD compares: Admixed American, 0.052%; no homozygotes.

Submissions (4):

CeGaT Center for Human Genetics Tuebingen
Classification: Likely benign. Last evaluated: 2026-09-01. Review status: criteria provided, single submitter. Criteria: CeGaT Center For Human Genetics Tuebingen Variant Classification Criteria Version 2. Collection method: clinical testing. Allele origin: germline. Affected: yes. Observed: 2 variant alleles.
Comment: SMS: BP4, BS2

Labcorp Genetics (formerly Invitae), Labcorp
Classification: Benign. Last evaluated: 2025-06-20. Review status: criteria provided, single submitter. Criteria: Invitae Variant Classification Sherloc (09022015). Collection method: clinical testing. Allele origin: germline.

Ambry Genetics
Classification: Likely benign for Inborn genetic diseases. Last evaluated: 2020-01-29. Review status: criteria provided, single submitter. Criteria: Ambry Variant Classification Scheme 2023. Collection method: clinical testing. Allele origin: germline.

Eurofins Ntd Llc (ga)
Classification: Uncertain significance. Last evaluated: 2015-05-27. Review status: criteria provided, single submitter. Criteria: EGL Classification Definitions 2015. Collection method: clinical testing. Allele origin: germline. Observed: 1 variant allele, 1 hemizygote.